The following is an entry in ClinVar:

ClinVar aggregate classification (germline): Uncertain significance (1 of 4 stars; one submission).

Allele frequency attached by ClinVar (database versions not stated): gnomAD exomes below 0.00001.

Submission:

Women's Health and Genetics/Laboratory Corporation of America, LabCorp
Classification: Uncertain significance. Last evaluated: 2023-10-25. Review status: criteria provided, single submitter. Criteria: LabCorp Variant Classification Summary - May 2015. Collection method: clinical testing. Allele origin: germline.
Comment: Variant summary: ITGB3 c.1435G>A (p.Gly479Arg) results in a non-conservative amino acid change located in the Integrin beta, epidermal growth factor-like domain 1 (IPR040622) of the encoded protein sequence. Five of five in-silico tools predict a damaging effect of the variant on protein function. The variant was absent in 251466 control chromosomes. The available data on variant occurrences in the general population are insufficient to allow any conclusion about variant significance. To our knowledge, no occurrence of c.1435G>A in individuals affected with Glanzmann Thrombasthenia 2 and no experimental evidence demonstrating its impact on protein function have been reported. No submitters have cited clinical-significance assessments for this variant to ClinVar after 2014. Based on the evidence outlined above, the variant was classified as uncertain significance.

NM_000212.3(ITGB3):c.1435G>A (p.Gly479Arg)

Gene: ITGB3 (integrin subunit beta 3; plus strand). Cytogenetic location: 17q21.32.
Variant type: single nucleotide variant.
Coding change: c.1435G>A on transcript NM_000212.3 (MANE Select); coding-DNA position 1435, G replaced by A.
Protein change: p.Gly479Arg; replaces glycine 479 with arginine.
Molecular consequence: missense variant.
Genome position (GRCh38, 1-based): chr17:47,292,313, G>A. VCF-style: chr17-47292313-G-A. GRCh37 (hg19) VCF-style: chr17-45369679-G-A.
Other names: short protein forms G479R.
Identifiers: ClinVar variation 2637449 (VCV002637449.1), dbSNP rs2547619082, ClinGen allele CA400029261.
Genomic context (GRCh38, chr17:47,292,313, plus strand): 5'-TGTGACTGTGCCTGCCAGGCCCAAGCTGAACCTAATAGCCATCGCTGCAACAATGGCAAT[G>A]GGACCTTTGAGTGTGGGGTATGCCGTTGTGGGCCTGGCTGGCTGGGATCCCAGTGTGAGT-3'
Protein context (NP_000203.2, residues 469-489): PNSHRCNNGN[Gly479Arg]TFECGVCRCG